The following is an entry in ClinVar:

ClinVar aggregate classification (germline): Pathogenic (1 of 4 stars; one submission).

Allele frequency attached by ClinVar (database versions not stated): gnomAD exomes below 0.00001; TOPMed 0.00001; gnomAD 0.00003.

Submission:

Labcorp Genetics (formerly Invitae), Labcorp
Classification: Pathogenic. Last evaluated: 2024-05-15. Review status: criteria provided, single submitter. Criteria: Invitae Variant Classification Sherloc (09022015). Collection method: clinical testing. Allele origin: germline.
Comment: This sequence change creates a premature translational stop signal (p.Tyr349Leufs*4) in the POLG2 gene. It is expected to result in an absent or disrupted protein product. Loss-of-function variants in POLG2 are known to be pathogenic (PMID: 28078310, 29625556). This variant is present in population databases (no rsID available, gnomAD 0.006%). This variant has not been reported in the literature in individuals affected with POLG2-related conditions. Algorithms developed to predict the effect of sequence changes on RNA splicing suggest that this variant may disrupt the consensus splice site. For these reasons, this variant has been classified as Pathogenic.

Literature cited by the submitters: PubMed 28078310; PubMed 29625556.

NM_007215.4(POLG2):c.1045dup (p.Tyr349fs)

Genes: MILR1 (mast cell immunoglobulin like receptor 1; plus strand), POLG2 (DNA polymerase gamma 2, accessory subunit; minus strand). Cytogenetic location: 17q23.3.
Variant type: Duplication.
Coding change: c.1045dup on transcript NM_007215.4 (MANE Select); coding-DNA position 1045, one base duplicated (T; older notation c.1045dupT).
Protein change: p.Tyr349fs; shifts the reading frame from tyrosine 349.
Molecular consequence: frameshift variant.
Genome position (GRCh38, 1-based): chr17:64,485,793, A duplicated on the plus strand (T on the coding strand, the reverse complement: POLG2 is on the minus strand). VCF-style (leftmost placement, unchanged base first): chr17-64485792-T-TA. GRCh37 (hg19) VCF-style: chr17-62481909-T-TA.
Other names: short protein forms Y349fs.
Identifiers: ClinVar variation 2987161 (VCV002987161.3), dbSNP rs1555667354, ClinGen allele CA626878219.